The following is an entry in ClinVar:

ClinVar aggregate classification (germline): Uncertain significance (1 of 4 stars; one submission).

Conditions:
Familial cold autoinflammatory syndrome 2 (FCAS2). Identifiers: Orphanet 247868, MedGen C2673198, MONDO:0012724, OMIM 611762.

gnomAD v4.1: 3 of 1,614,100 alleles (0.00019%); highest among the groups gnomAD compares: Non-Finnish European, 0.00017%; no homozygotes.

Submission:

Labcorp Genetics (formerly Invitae), Labcorp
Classification: Uncertain significance for Familial cold autoinflammatory syndrome 2. Last evaluated: 2025-12-02. Review status: criteria provided, single submitter. Criteria: Invitae Variant Classification Sherloc (09022015). Collection method: clinical testing. Allele origin: germline.
Comment: This sequence change replaces serine, which is neutral and polar, with glycine, which is neutral and non-polar, at codon 659 of the NLRP12 protein (p.Ser659Gly). This variant is present in population databases (no rsID available, gnomAD 0.0009%). This variant has not been reported in the literature in individuals affected with NLRP12-related conditions. Invitae Evidence Modeling of protein sequence and biophysical properties (such as structural, functional, and spatial information, amino acid conservation, physicochemical variation, residue mobility, and thermodynamic stability) indicates that this missense variant is not expected to disrupt NLRP12 protein function with a negative predictive value of 80%. In summary, the available evidence is currently insufficient to determine the role of this variant in disease. Therefore, it has been classified as a Variant of Uncertain Significance.

NM_144687.4(NLRP12):c.1975A>G (p.Ser659Gly)

Gene: NLRP12 (NLR family pyrin domain containing 12; minus strand). Cytogenetic location: 19q13.42.
Variant type: single nucleotide variant.
Coding change: c.1975A>G on transcript NM_144687.4 (MANE Select); coding-DNA position 1975, A replaced by G.
Protein change: p.Ser659Gly; replaces serine 659 with glycine.
Molecular consequence: missense variant.
Genome position (GRCh38, 1-based): chr19:53,809,684, T>C on the plus strand (A>G on the coding strand, the complement: NLRP12 is on the minus strand). VCF-style: chr19-53809684-T-C. GRCh37 (hg19) VCF-style: chr19-54312938-T-C.
Other names: c.1975A>G, p.Ser659Gly (NM_001277126.2, NM_001277129.1); short protein forms S659G.
Identifiers: ClinVar variation 4768186 (VCV004768186.1).